The following is an entry in ClinVar:

NM_201596.3(CACNB2):c.1206+5G>A

Gene: CACNB2 (calcium voltage-gated channel auxiliary subunit beta 2; plus strand). Cytogenetic location: 10p12.31.
Variant type: single nucleotide variant.
Coding change: c.1206+5G>A on transcript NM_201596.3 (MANE Select); 5 bases into the intron after coding-DNA position 1206, G replaced by A.
Molecular consequence: intron variant.
Genome position (GRCh38, 1-based): chr10:18,534,232, G>A. VCF-style: chr10-18534232-G-A. GRCh37 (hg19) VCF-style: chr10-18823161-G-A.
Other names: c.1122+5G>A (NM_201571.4); c.1008+5G>A (NM_001167945.2); c.1050+5G>A (NM_201572.4); c.1092+5G>A (NM_201593.3); c.1134+5G>A (NM_201597.3); c.1041+5G>A (NM_000724.4); c.927+5G>A (NM_001330060.2); c.1044+5G>A (NM_201590.3, NM_201590.2); and 1 more.
Identifiers: ClinVar variation 1460986 (VCV001460986.7), dbSNP rs2133284616, ClinGen allele CA2573145008.

ClinVar aggregate classification (germline): Uncertain significance. Review status: criteria provided, multiple submitters, no conflicts (2 of 4 stars). 2 submissions from 2 submitters: Uncertain significance (2). Last evaluated 2025-03-06.

Conditions:
Cardiovascular phenotype. Identifiers: MedGen CN230736.
Brugada syndrome 4 (BRGDA4). Identifiers: Orphanet 130, MedGen C2678477, MONDO:0012743, OMIM 611876.

Allele frequency attached by ClinVar (database versions not stated): gnomAD exomes below 0.00001.
gnomAD v4.1: 1 of 1,608,098 alleles (0.000062%); highest among the groups gnomAD compares: Non-Finnish European, 0.000085%; no homozygotes.

Submissions (2):

Ambry Genetics
Classification: Uncertain significance for Cardiovascular phenotype. Last evaluated: 2025-03-06. Review status: criteria provided, single submitter. Criteria: Ambry Variant Classification Scheme 2023. Collection method: clinical testing. Allele origin: germline.
Comment: The c.1044+5G>A intronic variant results from a G to A substitution 5 nucleotides after coding exon 10 in the CACNB2 gene. This nucleotide position is not well conserved in available vertebrate species. In silico splice site analysis predicts that this alteration will not have any significant effect on splicing. The evidence for this gene-disease relationship is limited; therefore, the clinical significance of this alteration is unclear.

Labcorp Genetics (formerly Invitae), Labcorp
Classification: Uncertain significance for Brugada syndrome 4. Last evaluated: 2021-11-25. Review status: criteria provided, single submitter. Criteria: Invitae Variant Classification Sherloc (09022015). Collection method: clinical testing. Allele origin: germline.
Comment: This sequence change falls in intron 10 of the CACNB2 gene. It does not directly change the encoded amino acid sequence of the CACNB2 protein. It affects a nucleotide within the consensus splice site. This variant is not present in population databases (gnomAD no frequency). This variant has not been reported in the literature in individuals affected with CACNB2-related conditions. Variants that disrupt the consensus splice site are a relatively common cause of aberrant splicing (PMID: 17576681, 9536098). Algorithms developed to predict the effect of sequence changes on RNA splicing suggest that this variant may disrupt the consensus splice site. In summary, the available evidence is currently insufficient to determine the role of this variant in disease. Therefore, it has been classified as a Variant of Uncertain Significance.

Literature cited by the submitters: PubMed 17576681 (cited by Labcorp Genetics (formerly Invitae), Labcorp); PubMed 9536098 (cited by Labcorp Genetics (formerly Invitae), Labcorp).